The following is an entry in ClinVar:

NM_002691.4(POLD1):c.1348A>C (p.Ser450Arg)

Gene: POLD1 (DNA polymerase delta 1, catalytic subunit; plus strand). Cytogenetic location: 19q13.33.
Variant type: single nucleotide variant.
Coding change: c.1348A>C on transcript NM_002691.4 (MANE Select); coding-DNA position 1348, A replaced by C.
Protein change: p.Ser450Arg; replaces serine 450 with arginine.
Molecular consequence: missense variant. On other transcripts: non-coding transcript variant (1).
Genome position (GRCh38, 1-based): chr19:50,406,287, A>C. VCF-style: chr19-50406287-A-C. GRCh37 (hg19) VCF-style: chr19-50909544-A-C.
Other names: c.1348A>C, p.Ser450Arg (NM_001256849.1, NM_001308632.1); short protein forms S450R.
Identifiers: ClinVar variation 661348 (VCV000661348.14), dbSNP rs1045252366, ClinGen allele CA309601754.
Genomic context (GRCh38, chr19:50,406,287, plus strand): 5'-AACATCCGGGACTCTTCATTCCAGTCCAAGCAGACGGGCCGGCGGGACACCAAGGTTGTC[A>C]GCATGGTGGGCCGCGTGCAGATGGACATGCTGCAGGTATGGGCGGGAGGTGGGGTGTGTC-3'
Protein context (NP_002682.2, residues 440-460): QTGRRDTKVV[Ser450Arg]MVGRVQMDML

ClinVar aggregate classification (germline): Uncertain significance. Review status: criteria provided, multiple submitters, no conflicts (2 of 4 stars). 2 submissions from 2 submitters: Uncertain significance (2). Last evaluated 2025-12-03.

Conditions:
Hereditary cancer-predisposing syndrome. Also called: Hereditary neoplastic syndrome; Tumor predisposition; Hereditary Cancer Syndrome; Neoplastic Syndromes, Hereditary. Identifiers: Orphanet 140162, MedGen C0027672, MeSH D009386, MONDO:0015356.
POLD1-related polyposis and colorectal cancer syndrome (CRCS10). Also called: Colorectal cancer, susceptibility to, 10; Colorectal cancer 10; COLORECTAL CANCER, SUSCEPTIBILITY TO, ON CHROMOSOME 19q. Identifiers: Orphanet 220460, MedGen C2675481, MONDO:0012953, OMIM 612591.

Submissions (2):

Labcorp Genetics (formerly Invitae), Labcorp
Classification: Uncertain significance for POLD1-related polyposis and colorectal cancer syndrome. Last evaluated: 2025-12-03. Review status: criteria provided, single submitter. Criteria: Invitae Variant Classification Sherloc (09022015). Collection method: clinical testing. Allele origin: germline.
Comment: This sequence change replaces serine, which is neutral and polar, with arginine, which is basic and polar, at codon 450 of the POLD1 protein (p.Ser450Arg). This variant is not present in population databases (gnomAD no frequency). This variant has not been reported in the literature in individuals affected with POLD1-related conditions. ClinVar contains an entry for this variant (Variation ID: 661348). Invitae Evidence Modeling of protein sequence and biophysical properties (such as structural, functional, and spatial information, amino acid conservation, physicochemical variation, residue mobility, and thermodynamic stability) indicates that this missense variant is not expected to disrupt POLD1 protein function with a negative predictive value of 80%. In summary, the available evidence is currently insufficient to determine the role of this variant in disease. Therefore, it has been classified as a Variant of Uncertain Significance.

Ambry Genetics
Classification: Uncertain significance for Hereditary cancer-predisposing syndrome. Last evaluated: 2025-05-17. Review status: criteria provided, single submitter. Criteria: Ambry Variant Classification Scheme 2023. Collection method: clinical testing. Allele origin: germline.
Comment: The p.S450R variant (also known as c.1348A>C), located in coding exon 10 of the POLD1 gene, results from an A to C substitution at nucleotide position 1348. The serine at codon 450 is replaced by arginine, an amino acid with dissimilar properties. This amino acid position is conserved. In addition, this alteration is predicted to be tolerated by in silico analysis. Since supporting evidence is limited at this time, the clinical significance of this alteration remains unclear.